The following is an entry in ClinVar:

ClinVar aggregate classification (germline): Uncertain significance (1 of 4 stars; one submission).

Conditions:
Neuroblastoma, susceptibility to, 3. Also called: ALK-Related Neuroblastic Tumor Susceptibility. Identifiers: Orphanet 635, MedGen C2751681, MONDO:0013083, OMIM 613014.

gnomAD v4.1: 1 of 1,614,170 alleles (0.000062%); highest among the groups gnomAD compares: Non-Finnish European, 0.000085%; no homozygotes.

Submission:

Labcorp Genetics (formerly Invitae), Labcorp
Classification: Uncertain significance for Neuroblastoma, susceptibility to, 3. Last evaluated: 2018-11-04. Review status: criteria provided, single submitter. Criteria: Invitae Variant Classification Sherloc (09022015). Collection method: clinical testing. Allele origin: germline.
Comment: This variant has not been reported in the literature in individuals with ALK-related disease. In summary, the available evidence is currently insufficient to determine the role of this variant in disease. Therefore, it has been classified as a Variant of Uncertain Significance. Algorithms developed to predict the effect of missense changes on protein structure and function (SIFT, PolyPhen-2, Align-GVGD) all suggest that this variant is likely to be disruptive, but these predictions have not been confirmed by published functional studies and their clinical significance is uncertain. This variant is not present in population databases (ExAC no frequency). This sequence change replaces glycine with valine at codon 1590 of the ALK protein (p.Gly1590Val). The glycine residue is highly conserved and there is a moderate physicochemical difference between glycine and valine.

NM_004304.5(ALK):c.4769G>T (p.Gly1590Val)

Gene: ALK (ALK receptor tyrosine kinase; minus strand). Cytogenetic location: 2p23.2.
Variant type: single nucleotide variant.
Coding change: c.4769G>T on transcript NM_004304.5 (MANE Select); coding-DNA position 4769, G replaced by T.
Protein change: p.Gly1590Val; replaces glycine 1590 with valine.
Molecular consequence: missense variant.
Genome position (GRCh38, 1-based): chr2:29,193,318, C>A on the plus strand (G>T on the coding strand, the complement: ALK is on the minus strand). VCF-style: chr2-29193318-C-A. GRCh37 (hg19) VCF-style: chr2-29416184-C-A.
Other names: c.1565G>T, p.Gly522Val (NM_001353765.2); short protein forms G522V, G1590V.
Identifiers: ClinVar variation 655090 (VCV000655090.8), dbSNP rs1457558507, ClinGen allele CA346460280.
Genomic context (GRCh38, chr2:29,193,318, plus strand): 5'-TTCAGAATGGTATCCTCGTAATGACCAGCTCCAGGGGCAGTAGCGGCTTCTAAGGGCAAG[C>A]CCTGTTGCTGGTAGCCGTAATTGACATTCCCACAAGGGAAGTGACGTAGCCTGAACAGAG-3'
Protein context (NP_004295.2, residues 1580-1600): GNVNYGYQQQ[Gly1590Val]LPLEAATAPG